The following is an entry in ClinVar:

NM_000089.4(COL1A2):c.1434C>A (p.Gly478=)

Gene: COL1A2 (collagen type I alpha 2 chain; plus strand). Cytogenetic location: 7q21.3.
Variant type: single nucleotide variant.
Coding change: c.1434C>A on transcript NM_000089.4 (MANE Select); coding-DNA position 1434, C replaced by A.
Protein change: p.Gly478=; no amino-acid change (glycine 478 retained).
Molecular consequence: synonymous variant.
Genome position (GRCh38, 1-based): chr7:94,412,613, C>A. VCF-style: chr7-94412613-C-A. GRCh37 (hg19) VCF-style: chr7-94041925-C-A.
Identifiers: ClinVar variation 1577968 (VCV001577968.33), dbSNP rs756412829, ClinGen allele CA456488771.

ClinVar aggregate classification (germline): Likely benign. Review status: criteria provided, multiple submitters, no conflicts (2 of 4 stars). 3 submissions from 3 submitters: Likely benign (3). Last evaluated 2023-11-01.

Conditions:
Cardiovascular phenotype. Identifiers: MedGen CN230736.
Ehlers-Danlos syndrome, classic type, 1 (EDSCL1). Also called: EHLERS-DANLOS SYNDROME, GRAVIS TYPE; EHLERS-DANLOS SYNDROME, SEVERE CLASSIC TYPE; Ehlers-Danlos Syndrome, Classic Type, COL5A1-Related; EDS I; Ehlers-Danlos syndrome, type 1. Identifiers: MedGen C0268335, MONDO:0019567, OMIM 130000.
Osteogenesis imperfecta type I (OI1). Also called: Classic Non-deforming Osteogenesis Imperfecta with Blue Sclerae; Lobstein disease; OI, TYPE I; OSTEOGENESIS IMPERFECTA TARDA; OSTEOGENESIS IMPERFECTA WITH BLUE SCLERAE; Osteogenesis imperfecta type 1. Identifiers: Orphanet 216796, Orphanet 666, MedGen C0023931, MONDO:0008146, OMIM 166200. Disease mechanism: loss of function.

gnomAD v4.1: 1 of 1,613,910 alleles (0.000062%); highest among the groups gnomAD compares: Non-Finnish European, 0.000085%; no homozygotes.

Submissions (3):

CeGaT Center for Human Genetics Tuebingen
Classification: Likely benign. Last evaluated: 2023-11-01. Review status: criteria provided, single submitter. Criteria: CeGaT Center For Human Genetics Tuebingen Variant Classification Criteria Version 2. Collection method: clinical testing. Allele origin: germline. Affected: yes. Observed: 1 variant allele.
Comment: COL1A2: PM2:Supporting, BP4, BP7

Ambry Genetics
Classification: Likely benign for Cardiovascular phenotype. Last evaluated: 2021-04-28. Review status: criteria provided, single submitter. Criteria: Ambry Variant Classification Scheme 2023. Collection method: clinical testing. Allele origin: germline.

Labcorp Genetics (formerly Invitae), Labcorp
Classification: Likely benign for Osteogenesis imperfecta type I; Ehlers-Danlos syndrome, classic type, 1. Last evaluated: 2021-04-24. Review status: criteria provided, single submitter. Criteria: Invitae Variant Classification Sherloc (09022015). Collection method: clinical testing. Allele origin: germline.